The following is an entry in ClinVar:

ClinVar aggregate classification (germline): Uncertain significance. Review status: criteria provided, multiple submitters, no conflicts (2 of 4 stars). 2 submissions from 2 submitters: Uncertain significance (2). Last evaluated 2025-10-24.

Conditions:
Inborn genetic diseases. Identifiers: MedGen C0950123, MeSH D030342.

Allele frequency attached by ClinVar (database versions not stated): TOPMed below 0.00001; gnomAD 0.00001; gnomAD exomes 0.00001; ExAC 0.00003; ESP Exome Variant Server 0.00008.
gnomAD v4.1: 10 of 1,612,690 alleles (0.00062%); highest among the groups gnomAD compares: Non-Finnish European, 0.00085%; no homozygotes.

Submissions (2):

Ambry Genetics
Classification: Uncertain significance for Inborn genetic diseases. Last evaluated: 2025-10-24. Review status: criteria provided, single submitter. Criteria: Ambry Variant Classification Scheme 2023. Collection method: clinical testing. Allele origin: germline.

Labcorp Genetics (formerly Invitae), Labcorp
Classification: Uncertain significance. Last evaluated: 2025-10-10. Review status: criteria provided, single submitter. Criteria: Invitae Variant Classification Sherloc (09022015). Collection method: clinical testing. Allele origin: germline.
Comment: This sequence change replaces glycine, which is neutral and non-polar, with serine, which is neutral and polar, at codon 321 of the CAPN5 protein (p.Gly321Ser). This variant is present in population databases (rs369500943, gnomAD 0.004%). This variant has not been reported in the literature in individuals affected with CAPN5-related conditions. ClinVar contains an entry for this variant (Variation ID: 2156001). Invitae Evidence Modeling of protein sequence and biophysical properties (such as structural, functional, and spatial information, amino acid conservation, physicochemical variation, residue mobility, and thermodynamic stability) has been performed for this missense variant. However, the output from this modeling did not meet the statistical confidence thresholds required to predict the impact of this variant on CAPN5 protein function. In summary, the available evidence is currently insufficient to determine the role of this variant in disease. Therefore, it has been classified as a Variant of Uncertain Significance.

NM_004055.5(CAPN5):c.961G>A (p.Gly321Ser)

Gene: CAPN5 (calpain 5; plus strand). Cytogenetic location: 11q13.5.
Variant type: single nucleotide variant.
Coding change: c.961G>A on transcript NM_004055.5 (MANE Select); coding-DNA position 961, G replaced by A.
Protein change: p.Gly321Ser; replaces glycine 321 with serine.
Molecular consequence: missense variant.
Genome position (GRCh38, 1-based): chr11:77,116,293, G>A. VCF-style: chr11-77116293-G-A. GRCh37 (hg19) VCF-style: chr11-76827339-G-A.
Other names: c.961G>A (NM_004055.4); short protein forms G321S.
Identifiers: ClinVar variation 2156001 (VCV002156001.5), dbSNP rs369500943, ClinGen allele CA6196616.
Genomic context (GRCh38, chr11:77,116,293, plus strand): 5'-GAGTGGCAGAAAGTGAGCAAGAGTGAGCGGGAGAAGATGGGTGTGACCGTGCAGGACGAC[G>A]GTGAGTTCTGGTGAGTGTGTATGTGCCCTGGGCGTCCGGGGCTGAGGGGGCTTCCCACGG-3'
Protein context (NP_004046.2, residues 311-331): EKMGVTVQDD[Gly321Ser]EFWMTFEDVC